The following is an entry in ClinVar:

ClinVar aggregate classification (germline): Uncertain significance. Review status: criteria provided, multiple submitters, no conflicts (2 of 4 stars). 3 submissions from 3 submitters: Uncertain significance (3). Last evaluated 2022-07-12.

Conditions:
Ehlers-Danlos syndrome, classic type, 1 (EDSCL1). Also called: EHLERS-DANLOS SYNDROME, GRAVIS TYPE; EHLERS-DANLOS SYNDROME, SEVERE CLASSIC TYPE; EDS I; Ehlers-Danlos Syndrome, Classic Type, COL5A1-Related; Ehlers-Danlos syndrome, type 1. Identifiers: MedGen C0268335, MONDO:0019567, OMIM 130000.
Osteogenesis imperfecta type I (OI1). Also called: OI, TYPE I; OSTEOGENESIS IMPERFECTA TARDA; OSTEOGENESIS IMPERFECTA WITH BLUE SCLERAE; Classic Non-deforming Osteogenesis Imperfecta with Blue Sclerae; Lobstein disease; Osteogenesis imperfecta type 1. Identifiers: Orphanet 216796, Orphanet 666, MedGen C0023931, MONDO:0008146, OMIM 166200. Disease mechanism: loss of function.
Cardiovascular phenotype. Identifiers: MedGen CN230736.

Allele frequency attached by ClinVar (database versions not stated): gnomAD 0.00001; TOPMed 0.00001; gnomAD exomes 0.00002.
gnomAD v4.1: 30 of 1,613,936 alleles (0.0019%); highest among the groups gnomAD compares: Non-Finnish European, 0.0021%; no homozygotes.

Submissions (3):

Labcorp Genetics (formerly Invitae), Labcorp
Classification: Uncertain significance for Osteogenesis imperfecta type I; Ehlers-Danlos syndrome, classic type, 1. Last evaluated: 2022-07-12. Review status: criteria provided, single submitter. Criteria: Invitae Variant Classification Sherloc (09022015). Collection method: clinical testing. Allele origin: germline.
Comment: This sequence change replaces isoleucine, which is neutral and non-polar, with threonine, which is neutral and polar, at codon 899 of the COL1A2 protein (p.Ile899Thr). This variant is not present in population databases (gnomAD no frequency). This variant has not been reported in the literature in individuals affected with COL1A2-related conditions. ClinVar contains an entry for this variant (Variation ID: 452498). Advanced modeling of protein sequence and biophysical properties (such as structural, functional, and spatial information, amino acid conservation, physicochemical variation, residue mobility, and thermodynamic stability) performed at Invitae indicates that this missense variant is not expected to disrupt COL1A2 protein function. In summary, the available evidence is currently insufficient to determine the role of this variant in disease. Therefore, it has been classified as a Variant of Uncertain Significance.

Ambry Genetics
Classification: Uncertain significance for Cardiovascular phenotype. Last evaluated: 2019-10-02. Review status: criteria provided, single submitter. Criteria: Ambry Variant Classification Scheme 2023. Collection method: clinical testing. Allele origin: germline.
Comment: The p.I899T variant (also known as c.2696T>C), located in coding exon 42 of the COL1A2 gene, results from a T to C substitution at nucleotide position 2696. The isoleucine at codon 899 is replaced by threonine, an amino acid with similar properties. This amino acid position is not well conserved in available vertebrate species. In addition, the in silico prediction for this alteration is inconclusive. Since supporting evidence is limited at this time, the clinical significance of this alteration remains unclear.

GeneDx
Classification: Uncertain significance. Last evaluated: 2017-10-06. Review status: criteria provided, single submitter. Criteria: GeneDx Variant Classification (06012015). Collection method: clinical testing. Allele origin: germline. Affected: yes.
Comment: The I899T variant in the COL1A2 gene has not been reported previously as a pathogenic variant, nor as a benign variant, to our knowledge. The I899T variant is not observed in large population cohorts (Lek et al., 2016). The I899T variant is a non-conservative amino acid substitution, which is likely to impact secondary protein structure as these residues differ in polarity, charge, size and/or other properties. This substitution occurs at a position that is not conserved. In silico analysis is inconsistent in its predictions as to whether or not the variant is damaging to the protein structure/function. We interpret I899T as a variant of uncertain significance.

NM_000089.4(COL1A2):c.2696T>C (p.Ile899Thr)

Gene: COL1A2 (collagen type I alpha 2 chain; plus strand). Cytogenetic location: 7q21.3.
Variant type: single nucleotide variant.
Coding change: c.2696T>C on transcript NM_000089.4 (MANE Select); coding-DNA position 2696, T replaced by C.
Protein change: p.Ile899Thr; replaces isoleucine 899 with threonine.
Molecular consequence: missense variant.
Genome position (GRCh38, 1-based): chr7:94,425,139, T>C. VCF-style: chr7-94425139-T-C. GRCh37 (hg19) VCF-style: chr7-94054451-T-C.
Other names: short protein forms I899T.
Identifiers: ClinVar variation 452498 (VCV000452498.10), dbSNP rs1245765830, ClinGen allele CA368224434.